The following is an entry in ClinVar:

NM_021930.6(RINT1):c.1246C>T (p.His416Tyr)

Gene: RINT1 (RAD50 interactor 1; plus strand). Cytogenetic location: 7q22.3.
Variant type: single nucleotide variant.
Coding change: c.1246C>T on transcript NM_021930.6 (MANE Select); coding-DNA position 1246, C replaced by T.
Protein change: p.His416Tyr; replaces histidine 416 with tyrosine.
Molecular consequence: missense variant. On other transcripts: non-coding transcript variant (1).
Genome position (GRCh38, 1-based): chr7:105,550,399, C>T. VCF-style: chr7-105550399-C-T. GRCh37 (hg19) VCF-style: chr7-105190846-C-T.
Other names: c.1012C>T, p.His338Tyr (NM_001346599.2); c.223C>T, p.His75Tyr (NM_001346600.2, NM_001346603.2); c.322C>T, p.His108Tyr (NM_001346601.2); short protein forms H108Y, H338Y, H416Y, H75Y.
Identifiers: ClinVar variation 830291 (VCV000830291.4), dbSNP rs1221027048, ClinGen allele CA368809279.
Genomic context (GRCh38, chr7:105,550,399, plus strand): 5'-AATCTCTTCTGTCATTTGGTGGATGAAGTACTCTTGTTTGAAAGGGAGCTACACAGTGTT[C>T]ATGGCTATCCTGGCACTTTTGCTAGTTGTATGCATATTCTATCAGAGGAAACCTGTTTTC-3'
Protein context (NP_068749.3, residues 406-426): LLFERELHSV[His416Tyr]GYPGTFASCM

ClinVar aggregate classification (germline): Uncertain significance. Review status: criteria provided, multiple submitters, no conflicts (2 of 4 stars). 2 submissions from 2 submitters: Uncertain significance (2). Last evaluated 2022-01-27.

Conditions:
Hereditary breast ovarian cancer syndrome. Also called: Hereditary breast and/or ovarian cancer syndrome; Hereditary breast and ovarian cancer syndrome (HBOC); Breast and ovarian cancer; Hereditary breast and ovarian cancer; BRCA1- and BRCA2-Associated Hereditary Breast and Ovarian Cancer; Hereditary breast and ovarian cancer syndrome. Identifiers: Orphanet 145, MedGen C0677776, MeSH D061325, MONDO:0003582. Disease mechanism: loss of function.

Submissions (2):

Ambry Genetics
Classification: Uncertain significance. Last evaluated: 2022-01-27. Review status: criteria provided, single submitter. Criteria: Ambry Variant Classification Scheme 2023. Collection method: clinical testing. Allele origin: germline.
Comment: The p.H416Y variant (also known as c.1246C>T), located in coding exon 9 of the RINT1 gene, results from a C to T substitution at nucleotide position 1246. The histidine at codon 416 is replaced by tyrosine, an amino acid with similar properties. This amino acid position is conserved. In addition, this alteration is predicted to be tolerated by in silico analysis. Since supporting evidence is limited at this time, the clinical significance of this alteration remains unclear.

Cancer Genomics Group, Japanese Foundation For Cancer Research
Classification: Uncertain significance for Hereditary breast and ovarian cancer syndrome. Last evaluated: 2019-05-01. Review status: criteria provided, single submitter. Criteria: ACMG Guidelines, 2015. Collection method: research. Allele origin: germline. Affected: yes.